The following is an entry in ClinVar:

ClinVar aggregate classification (germline): Likely pathogenic (1 of 4 stars; one submission).

Submission:

Labcorp Genetics (formerly Invitae), Labcorp
Classification: Likely pathogenic. Last evaluated: 2023-03-18. Review status: criteria provided, single submitter. Criteria: Invitae Variant Classification Sherloc (09022015). Collection method: clinical testing. Allele origin: germline.
Comment: This variant results in the deletion of c.2969_2983+15del of the RUSC2 gene. It is expected to disrupt RNA splicing. Variants that disrupt the donor or acceptor splice site typically lead to a loss of protein function (PMID: 16199547), and loss-of-function variants in RUSC2 are known to be pathogenic (PMID: 27612186). This variant is not present in population databases (gnomAD no frequency). This variant has not been reported in the literature in individuals affected with RUSC2-related conditions. Algorithms developed to predict the effect of sequence changes on RNA splicing suggest that this variant may disrupt the consensus splice site. In summary, the currently available evidence indicates that the variant is pathogenic, but additional data are needed to prove that conclusively. Therefore, this variant has been classified as Likely Pathogenic.

Literature cited by the submitters: PubMed 16199547; PubMed 27612186.

NM_014806.5(RUSC2):c.2969_2983+15del

Gene: RUSC2 (RUN and SH3 domain containing 2; plus strand). Cytogenetic location: 9p13.3.
Variant type: Deletion.
Coding change: c.2969_2983+15del on transcript NM_014806.5 (MANE Select); coding-DNA position 2969 through 15 bases into the intron after coding-DNA position 2983, 30 bases deleted (TGCTTCAGAAAAAAGGTGCATACAACCCCC).
Molecular consequence: splice donor variant.
Genome position (GRCh38, 1-based): chr9:35,556,434-35,556,463, TGCTTCAGAAAAAAGGTGCATACAACCCCC deleted; deleting any 30 consecutive bases within chr9:35,556,432-35,556,463 gives the same sequence; the c. name uses the placement nearest the transcript's 3' end. VCF-style (leftmost placement, unchanged base first): chr9-35556431-ACCTGCTTCAGAAAAAAGGTGCATACAACCC-A. GRCh37 (hg19) VCF-style: chr9-35556428-ACCTGCTTCAGAAAAAAGGTGCATACAACCC-A.
Other names: c.335_349+15del (NM_001330740.2); c.2969_2983+15del (NM_001135999.2).
Identifiers: ClinVar variation 2847128 (VCV002847128.3), dbSNP rs2490406268, ClinGen allele CA2739269202.